The following is an entry in ClinVar:

ClinVar aggregate classification (germline): Likely pathogenic (1 of 4 stars; one submission).

Conditions:
Marfan syndrome (MFS). Also called: FBN1-Related Marfan Syndrome; MARFAN SYNDROME, TYPE I; Marfan syndrome type 1; Marfan's syndrome; Marfan syndrome, classic. Identifiers: Orphanet 284963, Orphanet 558, MedGen C0024796, MONDO:0007947, OMIM 154700.
Familial thoracic aortic aneurysm and aortic dissection (TAAD). Also called: Thoracic aortic aneurysms and dissections. Identifiers: Orphanet 91387, MedGen C4707243, MONDO:0019625.

Submission:

Labcorp Genetics (formerly Invitae), Labcorp
Classification: Likely pathogenic for Marfan syndrome; Familial thoracic aortic aneurysm and aortic dissection. Last evaluated: 2022-11-29. Review status: criteria provided, single submitter. Criteria: Invitae Variant Classification Sherloc (09022015). Collection method: clinical testing. Allele origin: germline.
Comment: In summary, the currently available evidence indicates that the variant is pathogenic, but additional data are needed to prove that conclusively. Therefore, this variant has been classified as Likely Pathogenic. This variant disrupts the p.Asn1131 amino acid residue in FBN1. Other variant(s) that disrupt this residue have been observed in individuals with FBN1-related conditions (PMID: 9101298, 24793577), which suggests that this may be a clinically significant amino acid residue. Advanced modeling of protein sequence and biophysical properties (such as structural, functional, and spatial information, amino acid conservation, physicochemical variation, residue mobility, and thermodynamic stability) performed at Invitae indicates that this missense variant is expected to disrupt FBN1 protein function. ClinVar contains an entry for this variant (Variation ID: 1053613). This missense change has been observed in individual(s) with Marfan syndrome (PMID: 19293843). This variant is not present in population databases (gnomAD no frequency). This sequence change replaces asparagine, which is neutral and polar, with lysine, which is basic and polar, at codon 1131 of the FBN1 protein (p.Asn1131Lys).

Literature cited by the submitters: PubMed 9101298; PubMed 24793577; PubMed 19293843.

NM_000138.5(FBN1):c.3393C>A (p.Asn1131Lys)

Gene: FBN1 (fibrillin 1; minus strand). Cytogenetic location: 15q21.1.
Variant type: single nucleotide variant.
Coding change: c.3393C>A on transcript NM_000138.5 (MANE Select); coding-DNA position 3393, C replaced by A.
Protein change: p.Asn1131Lys; replaces asparagine 1131 with lysine.
Molecular consequence: missense variant.
Genome position (GRCh38, 1-based): chr15:48,487,382, G>T on the plus strand (C>A on the coding strand, the complement: FBN1 is on the minus strand). VCF-style: chr15-48487382-G-T. GRCh37 (hg19) VCF-style: chr15-48779579-G-T.
Other names: short protein forms N1131K.
Identifiers: ClinVar variation 1053613 (VCV001053613.9), dbSNP rs775565475, ClinGen allele CA392326508.